The following is an entry in ClinVar:

NM_001008216.2(GALE):c.172C>T (p.Arg58Cys)

Gene: GALE (UDP-galactose-4-epimerase; minus strand). Cytogenetic location: 1p36.11.
Variant type: single nucleotide variant.
Coding change: c.172C>T on transcript NM_001008216.2 (MANE Select); coding-DNA position 172, C replaced by T.
Protein change: p.Arg58Cys; replaces arginine 58 with cysteine.
Molecular consequence: missense variant.
Genome position (GRCh38, 1-based): chr1:23,798,680, G>A on the plus strand (C>T on the coding strand, the complement: GALE is on the minus strand). VCF-style: chr1-23798680-G-A. GRCh37 (hg19) VCF-style: chr1-24125170-G-A.
Other names: c.172C>T, p.Arg58Cys (NM_000403.4, NM_001127621.2); short protein forms R58C.
Identifiers: ClinVar variation 2420514 (VCV002420514.6), dbSNP rs142821993, ClinGen allele CA685764.

ClinVar aggregate classification (germline): Uncertain significance. Review status: criteria provided, multiple submitters, no conflicts (2 of 4 stars). 2 submissions from 2 submitters: Uncertain significance (2). Last evaluated 2023-12-20.

Conditions:
UDPglucose-4-epimerase deficiency. Also called: UDPglucose 4-Epimerase Deficiency Disease; Epimerase Deficiency Galactosemia; GALACTOSEMIA III; GALE DEFICIENCY; UDP-GALACTOSE-4-EPIMERASE DEFICIENCY; Galactose epimerase deficiency. Identifiers: Orphanet 352, Orphanet 79238, MedGen C0751161, MONDO:0009257, OMIM 230350.

Allele frequency attached by ClinVar (database versions not stated): gnomAD 0.00014; 1000 Genomes Project 30x 0.00031; ESP Exome Variant Server 0.00046.
gnomAD v4.1: 501 of 1,613,712 alleles (0.031%); highest among the groups gnomAD compares: Non-Finnish European, 0.039%; 1 homozygote.

Submissions (2):

Blueprint Genetics
Classification: Uncertain significance. Last evaluated: 2023-12-20. Review status: criteria provided, single submitter. Criteria: ACMG Guidelines, 2015. Collection method: clinical testing. Allele origin: germline.

Labcorp Genetics (formerly Invitae), Labcorp
Classification: Uncertain significance for UDPglucose-4-epimerase deficiency. Last evaluated: 2022-08-22. Review status: criteria provided, single submitter. Criteria: Invitae Variant Classification Sherloc (09022015). Collection method: clinical testing. Allele origin: germline.
Comment: This sequence change replaces arginine, which is basic and polar, with cysteine, which is neutral and slightly polar, at codon 58 of the GALE protein (p.Arg58Cys). This variant is present in population databases (rs142821993, gnomAD 0.02%). This variant has not been reported in the literature in individuals affected with GALE-related conditions. Algorithms developed to predict the effect of missense changes on protein structure and function output the following: SIFT: "Tolerated"; PolyPhen-2: "Benign"; Align-GVGD: "Class C0". The cysteine amino acid residue is found in multiple mammalian species, which suggests that this missense change does not adversely affect protein function. In summary, the available evidence is currently insufficient to determine the role of this variant in disease. Therefore, it has been classified as a Variant of Uncertain Significance.